The following is an entry in ClinVar:

NM_000334.4(SCN4A):c.315C>A (p.Phe105Leu)

Gene: SCN4A (sodium voltage-gated channel alpha subunit 4; minus strand). Cytogenetic location: 17q23.3.
Variant type: single nucleotide variant.
Coding change: c.315C>A on transcript NM_000334.4 (MANE Select); coding-DNA position 315, C replaced by A.
Protein change: p.Phe105Leu; replaces phenylalanine 105 with leucine.
Molecular consequence: missense variant.
Genome position (GRCh38, 1-based): chr17:63,972,429, G>T on the plus strand (C>A on the coding strand, the complement: SCN4A is on the minus strand). VCF-style: chr17-63972429-G-T. GRCh37 (hg19) VCF-style: chr17-62049789-G-T.
Other names: short protein forms F105L.
Identifiers: ClinVar variation 2972710 (VCV002972710.4), dbSNP rs1382911738, ClinGen allele CA400640005.

ClinVar aggregate classification (germline): Uncertain significance. Review status: criteria provided, multiple submitters, no conflicts (2 of 4 stars). 2 submissions from 2 submitters: Uncertain significance (2). Last evaluated 2026-01-14.

Conditions:
Hyperkalemic periodic paralysis. Also called: Familial hyperkalemic periodic paralysis; Gamstorp disease. Identifiers: Orphanet 682, MedGen C0238357, MONDO:0008224, OMIM 170500, HP:0007215.
Inborn genetic diseases. Identifiers: MedGen C0950123, MeSH D030342.

Submissions (2):

Ambry Genetics
Classification: Uncertain significance for Inborn genetic diseases. Last evaluated: 2026-01-14. Review status: criteria provided, single submitter. Criteria: Ambry Variant Classification Scheme 2023. Collection method: clinical testing. Allele origin: germline.

Labcorp Genetics (formerly Invitae), Labcorp
Classification: Uncertain significance for Hyperkalemic periodic paralysis. Last evaluated: 2024-01-31. Review status: criteria provided, single submitter. Criteria: Invitae Variant Classification Sherloc (09022015). Collection method: clinical testing. Allele origin: germline.
Comment: This sequence change replaces phenylalanine, which is neutral and non-polar, with leucine, which is neutral and non-polar, at codon 105 of the SCN4A protein (p.Phe105Leu). This variant is present in population databases (no rsID available, gnomAD 0.0009%). This variant has not been reported in the literature in individuals affected with SCN4A-related conditions. Advanced modeling of protein sequence and biophysical properties (such as structural, functional, and spatial information, amino acid conservation, physicochemical variation, residue mobility, and thermodynamic stability) performed at Invitae indicates that this missense variant is expected to disrupt SCN4A protein function with a positive predictive value of 95%. In summary, the available evidence is currently insufficient to determine the role of this variant in disease. Therefore, it has been classified as a Variant of Uncertain Significance.